The following is an entry in ClinVar:

ClinVar aggregate classification (germline): Conflicting classifications of pathogenicity. Review status: criteria provided, conflicting classifications (1 of 4 stars). 4 submissions from 4 submitters: Uncertain significance (3); Likely benign (1). Last evaluated 2024-09-19.

Conditions:
Primary dilated cardiomyopathy (DCM). Also called: Dilated Cardiomyopathy. Identifiers: Orphanet 217604, MedGen C0007193, MeSH D002311, MONDO:0005021, HP:0001644. Inheritance: Various modes of inheritance.
Charcot-Marie-Tooth disease type 2. Also called: Charcot-Marie-Tooth type 2. Identifiers: Orphanet 64746, MedGen C0270914, MONDO:0018993.
Cardiovascular phenotype. Identifiers: MedGen CN230736.

Allele frequency attached by ClinVar (database versions not stated): TOPMed below 0.00001.
gnomAD v4.1: 17 of 1,612,098 alleles (0.0011%); highest among the groups gnomAD compares: Non-Finnish European, 0.0014%; no homozygotes.

Submissions (4):

Labcorp Genetics (formerly Invitae), Labcorp
Classification: Uncertain significance for Charcot-Marie-Tooth disease type 2. Last evaluated: 2024-09-19. Review status: criteria provided, single submitter. Criteria: Invitae Variant Classification Sherloc (09022015). Collection method: clinical testing. Allele origin: germline.
Comment: This sequence change replaces glycine, which is neutral and non-polar, with serine, which is neutral and polar, at codon 413 of the LMNA protein (p.Gly413Ser). This variant is present in population databases (rs766811975, gnomAD 0.0009%). This variant has not been reported in the literature in individuals affected with LMNA-related conditions. ClinVar contains an entry for this variant (Variation ID: 2447223). Invitae Evidence Modeling of protein sequence and biophysical properties (such as structural, functional, and spatial information, amino acid conservation, physicochemical variation, residue mobility, and thermodynamic stability) has been performed for this missense variant. However, the output from this modeling did not meet the statistical confidence thresholds required to predict the impact of this variant on LMNA protein function. In summary, the available evidence is currently insufficient to determine the role of this variant in disease. Therefore, it has been classified as a Variant of Uncertain Significance.

All of Us Research Program, National Institutes of Health
Classification: Uncertain significance for Primary dilated cardiomyopathy. Last evaluated: 2023-11-30. Review status: criteria provided, single submitter. Criteria: ACMG Guidelines, 2015. Collection method: clinical testing. Allele origin: germline. Inheritance: Autosomal dominant inheritance. Observed: 1 variant allele, 1 heterozygote.
Comment: This study involves interpretation of variants in research participants for the purpose of population health screening. Participant phenotype was not available at the time of variant classification. Additional details can be found in publication PMID: 35346344, PMCID: PMC8962531

Ambry Genetics
Classification: Uncertain significance for Cardiovascular phenotype. Last evaluated: 2022-11-29. Review status: criteria provided, single submitter. Criteria: Ambry Variant Classification Scheme 2023. Collection method: clinical testing. Allele origin: germline.
Comment: The p.G413S variant (also known as c.1237G>A), located in coding exon 7 of the LMNA gene, results from a G to A substitution at nucleotide position 1237. The glycine at codon 413 is replaced by serine, an amino acid with similar properties. This amino acid position is well conserved in available vertebrate species. In addition, the in silico prediction for this alteration is inconclusive. Since supporting evidence is limited at this time, the clinical significance of this alteration remains unclear.

Laboratory for Molecular Medicine, Mass General Brigham Personalized Medicine
Classification: Likely benign. Last evaluated: 2022-02-01. Review status: criteria provided, single submitter. Criteria: ACMG Guidelines, 2015. Collection method: clinical testing. Allele origin: germline.
Comment: The p.Gly413Ser variant in LMNA is classified as likely benign due to a lack of conservation across species. 7 mammals carry a Serine at this position despite high nearby amino acid conservation. In addition, computational prediction tools predict that this variant does not impact the protein. It has been identified in 1/113524 of European chromosomes by gnomAD. ACMG/AMP Criteria applied: BP4_Strong.

Literature cited by the submitters: PubMed 28663758 (cited by Ambry Genetics); PubMed 30402260 (cited by Ambry Genetics).

NM_170707.4(LMNA):c.1237G>A (p.Gly413Ser)

Gene: LMNA (lamin A/C; plus strand). Cytogenetic location: 1q22.
Variant type: single nucleotide variant.
Coding change: c.1237G>A on transcript NM_170707.4 (MANE Select); coding-DNA position 1237, G replaced by A.
Protein change: p.Gly413Ser; replaces glycine 413 with serine.
Molecular consequence: missense variant.
Genome position (GRCh38, 1-based): chr1:156,136,293, G>A. VCF-style: chr1-156136293-G-A. GRCh37 (hg19) VCF-style: chr1-156106084-G-A.
Other names: c.901G>A, p.Gly301Ser (NM_001257374.3, NM_001406989.1, NM_001406998.1); c.994G>A, p.Gly332Ser (NM_001282624.2, NM_001406986.1, NM_001406987.1); c.1237G>A, p.Gly413Ser (NM_001282625.2, NM_001282626.2, NM_001406983.1 and 6 more transcripts); c.940G>A, p.Gly314Ser (NM_001406988.1); c.679G>A, p.Gly227Ser (NM_001406990.1, NM_001406993.1, NM_001406995.1 and 4 more transcripts); c.613G>A, p.Gly205Ser (NM_001406994.1, NM_001406999.1, NM_001407000.1 and 1 more transcripts); short protein forms G227S, G301S, G332S, G413S, G205S, G314S.
Identifiers: ClinVar variation 2447223 (VCV002447223.5), dbSNP rs766811975, ClinGen allele CA049571.